The following is an entry in ClinVar:

NM_144573.4(NEXN):c.1111C>A (p.Pro371Thr)

Gene: NEXN (nexilin F-actin binding protein; plus strand). Cytogenetic location: 1p31.1.
Variant type: single nucleotide variant.
Coding change: c.1111C>A on transcript NM_144573.4 (MANE Select); coding-DNA position 1111, C replaced by A.
Protein change: p.Pro371Thr; replaces proline 371 with threonine.
Molecular consequence: missense variant.
Genome position (GRCh38, 1-based): chr1:77,933,339, C>A. VCF-style: chr1-77933339-C-A. GRCh37 (hg19) VCF-style: chr1-78399024-C-A.
Other names: p.Pro371Thr; c.919C>A, p.Pro307Thr (NM_001172309.2); c.1111C>A (NM_144573.3); short protein forms P307T, P371T.
Identifiers: ClinVar variation 1009034 (VCV001009034.8), dbSNP rs1223883098, ClinGen allele CA340876717.

ClinVar aggregate classification (germline): Uncertain significance. Review status: criteria provided, multiple submitters, no conflicts (2 of 4 stars). 3 submissions from 3 submitters: Uncertain significance (3). Last evaluated 2025-08-13.

Conditions:
Dilated cardiomyopathy 1CC (CMD1CC). Identifiers: Orphanet 154, MedGen C2751084, MONDO:0013147, OMIM 613122.
Hypertrophic cardiomyopathy 20. Identifiers: MedGen C3151267, MONDO:0013477, OMIM 613876.

Allele frequency attached by ClinVar (database versions not stated): gnomAD exomes below 0.00001 and 0.00001; TOPMed 0.00001.
gnomAD v4.1: 12 of 1,609,824 alleles (0.00075%); highest among the groups gnomAD compares: Non-Finnish European, 0.001%; no homozygotes.

Submissions (3):

Mayo Clinic Laboratories, Mayo Clinic
Classification: Uncertain significance. Last evaluated: 2025-08-13. Review status: criteria provided, single submitter. Criteria: ACMG Guidelines, 2015. Collection method: clinical testing. Allele origin: germline. Observed: 1 variant allele.
Comment: PM2_supporting

Fulgent Genetics
Classification: Uncertain significance for Dilated cardiomyopathy 1CC; Hypertrophic cardiomyopathy 20. Last evaluated: 2021-11-03. Review status: criteria provided, single submitter. Criteria: ACMG Guidelines, 2015. Collection method: clinical testing. Allele origin: unknown.

Labcorp Genetics (formerly Invitae), Labcorp
Classification: Uncertain significance for Dilated cardiomyopathy 1CC; Hypertrophic cardiomyopathy 20. Last evaluated: 2021-06-19. Review status: criteria provided, single submitter. Criteria: Invitae Variant Classification Sherloc (09022015). Collection method: clinical testing. Allele origin: germline.
Comment: In summary, the available evidence is currently insufficient to determine the role of this variant in disease. Therefore, it has been classified as a Variant of Uncertain Significance. Algorithms developed to predict the effect of missense changes on protein structure and function are either unavailable or do not agree on the potential impact of this missense change (SIFT: "Deleterious"; PolyPhen-2: "Probably Damaging"; Align-GVGD: "Class C0"). This variant has not been reported in the literature in individuals with NEXN-related conditions. ClinVar contains an entry for this variant (Variation ID: 1009034). This variant is not present in population databases (ExAC no frequency). This sequence change replaces proline with threonine at codon 371 of the NEXN protein (p.Pro371Thr). The proline residue is highly conserved and there is a small physicochemical difference between proline and threonine.